The following is an entry in ClinVar:

NM_001077350.3(NPRL3):c.1450G>C (p.Glu484Gln)

Genes: HBA-LCR (alpha-globin locus control region; plus strand), NPRL3 (NPR3 like, GATOR1 complex subunit; minus strand). Cytogenetic location: 16p13.3.
Variant type: single nucleotide variant.
Coding change: c.1450G>C on transcript NM_001077350.3 (MANE Select); coding-DNA position 1450, G replaced by C.
Protein change: p.Glu484Gln; replaces glutamic acid 484 with glutamine.
Molecular consequence: missense variant.
Genome position (GRCh38, 1-based): chr16:88,792, C>G on the plus strand (G>C on the coding strand, the complement: NPRL3 is on the minus strand). VCF-style: chr16-88792-C-G. GRCh37 (hg19) VCF-style: chr16-138790-C-G.
Other names: c.913G>C, p.Glu305Gln (NM_001039476.3); c.1216G>C, p.Glu406Gln (NM_001243247.2); c.1375G>C, p.Glu459Gln (NM_001243248.2, NM_001243249.2); short protein forms E305Q, E406Q, E459Q, E484Q.
Identifiers: ClinVar variation 3621660 (VCV003621660.2).
Genomic context (GRCh38, chr16:88,792, plus strand): 5'-CTGCGGGTACACTGAGGATGGCTGCGCGTTCATGCTCCGACAGGCTGGCCAGCAGGTTCT[C>G]CGTCATCCTCTGGTTCAGTGGCGAGTCCCCGCTGGGAAGTAGCTCTGCGCTGGAGTTGTC-3'
Protein context (NP_001070818.1, residues 474-494): GDSPLNQRMT[Glu484Gln]NLLASLSEHE

ClinVar aggregate classification (germline): Uncertain significance (1 of 4 stars; one submission).

Conditions:
Epilepsy, familial focal, with variable foci 3 (FFEVF3). Identifiers: MedGen C4310708, MONDO:0014925, OMIM 617118.

Submission:

Labcorp Genetics (formerly Invitae), Labcorp
Classification: Uncertain significance for Epilepsy, familial focal, with variable foci 3. Last evaluated: 2024-02-09. Review status: criteria provided, single submitter. Criteria: Invitae Variant Classification Sherloc (09022015). Collection method: clinical testing. Allele origin: germline.
Comment: This sequence change replaces glutamic acid, which is acidic and polar, with glutamine, which is neutral and polar, at codon 484 of the NPRL3 protein (p.Glu484Gln). This variant is not present in population databases (gnomAD no frequency). This variant has not been reported in the literature in individuals affected with NPRL3-related conditions. Advanced modeling of protein sequence and biophysical properties (such as structural, functional, and spatial information, amino acid conservation, physicochemical variation, residue mobility, and thermodynamic stability) performed at Invitae indicates that this missense variant is not expected to disrupt NPRL3 protein function with a negative predictive value of 80%. In summary, the available evidence is currently insufficient to determine the role of this variant in disease. Therefore, it has been classified as a Variant of Uncertain Significance.